The following is an entry in ClinVar:

NM_000492.4(CFTR):c.2410G>T (p.Glu804Ter)

Gene: CFTR (CF transmembrane conductance regulator; plus strand). Cytogenetic location: 7q31.2.
Variant type: single nucleotide variant.
Coding change: c.2410G>T on transcript NM_000492.4 (MANE Select); coding-DNA position 2410, G replaced by T.
Protein change: p.Glu804Ter; replaces glutamic acid 804 with a stop codon.
Molecular consequence: nonsense.
Genome position (GRCh38, 1-based): chr7:117,592,577, G>T. VCF-style: chr7-117592577-G-T. GRCh37 (hg19) VCF-style: chr7-117232631-G-T.
Other names: c.2410G>T (NM_000492.3); short protein forms E804*.
Identifiers: ClinVar variation 983580 (VCV000983580.4), dbSNP rs1792049376, ClinGen allele CA368981172.
Genomic context (GRCh38, chr7:117,592,577, plus strand): 5'-CACCGAAAGACAACAGCATCCACACGAAAAGTGTCACTGGCCCCTCAGGCAAACTTGACT[G>T]AACTGGATATATATTCAAGAAGGTTATCTCAAGAAACTGGCTTGGAAATAAGTGAAGAAA-3'

ClinVar aggregate classification (germline): Likely pathogenic. Review status: criteria provided, multiple submitters, no conflicts (2 of 4 stars). 2 submissions from 2 submitters: Likely pathogenic (2). Last evaluated 2024-12-30.

Conditions:
CFTR-related disorder (CFTR-RD). Also called: CFTR-related disorders; CFTR-related condition. Identifiers: MedGen C5924204, MONDO:7770004.
Cystic fibrosis (CF). Also called: MUCOVISCIDOSIS. Identifiers: Orphanet 586, MedGen C0010674, MONDO:0009061, OMIM 219700. Disease mechanism: loss of function.

Submissions (2):

Natera, Inc.
Classification: Likely pathogenic for CFTR-related disorders. Last evaluated: 2024-12-30. Review status: criteria provided, single submitter. Criteria: Natera Variant Classification Schema (03/2026). Collection method: clinical testing. Allele origin: germline.
Comment: The c.2410G>T variant in CFTR is a nonsense variant predicted to introduce a stop codon at amino acid 804. This variant is expected to result in nonsense mediated decay, truncation, or a dysfunctional protein product. This variant is rare in the general population with a frequency below the threshold expected for the associated phenotype(s). Given the available evidence, this variant is classified as Likely Pathogenic.

Myriad Genetics, Inc.
Classification: Likely pathogenic for Cystic fibrosis. Last evaluated: 2020-01-19. Review status: criteria provided, single submitter. Criteria: Myriad Women's Health Autosomal Recessive and X-Linked Classification Criteria (2019). Collection method: clinical testing. Allele origin: unknown.
Comment: NM_000492.3(CFTR):c.2410G>T(E804*) is expected to be pathogenic in the context of cystic fibrosis. This variant is predicted to lead to an abnormal or absent protein product due to the creation of a premature termination codon in CFTR, a gene where loss-of-function variants are known to be pathogenic. Please note: this variant was assessed in the context of healthy population screening.